The following is an entry in ClinVar:

NM_016213.5(TRIP4):c.1180C>G (p.His394Asp)

Gene: TRIP4 (thyroid hormone receptor interactor 4; plus strand). Cytogenetic location: 15q22.31.
Variant type: single nucleotide variant.
Coding change: c.1180C>G on transcript NM_016213.5 (MANE Select); coding-DNA position 1180, C replaced by G.
Protein change: p.His394Asp; replaces histidine 394 with aspartic acid.
Molecular consequence: missense variant. On other transcripts: non-coding transcript variant (1).
Genome position (GRCh38, 1-based): chr15:64,418,550, C>G. VCF-style: chr15-64418550-C-G. GRCh37 (hg19) VCF-style: chr15-64710749-C-G.
Other names: c.490C>G, p.His164Asp (NM_001321924.2); short protein forms H394D, H164D.
Identifiers: ClinVar variation 1945923 (VCV001945923.5), dbSNP rs747969829, ClinGen allele CA7609589.

ClinVar aggregate classification (germline): Uncertain significance (1 of 4 stars; one submission).

Allele frequency attached by ClinVar (database versions not stated): TOPMed below 0.00001; ExAC 0.00001; gnomAD exomes 0.00001.
gnomAD v4.1: 4 of 1,611,694 alleles (0.00025%); highest among the groups gnomAD compares: Admixed American, 0.0067%; no homozygotes.

Submission:

Labcorp Genetics (formerly Invitae), Labcorp
Classification: Uncertain significance. Last evaluated: 2023-05-08. Review status: criteria provided, single submitter. Criteria: Invitae Variant Classification Sherloc (09022015). Collection method: clinical testing. Allele origin: germline.
Comment: In summary, the available evidence is currently insufficient to determine the role of this variant in disease. Therefore, it has been classified as a Variant of Uncertain Significance. Advanced modeling of protein sequence and biophysical properties (such as structural, functional, and spatial information, amino acid conservation, physicochemical variation, residue mobility, and thermodynamic stability) performed at Invitae indicates that this missense variant is not expected to disrupt TRIP4 protein function. ClinVar contains an entry for this variant (Variation ID: 1945923). This variant has not been reported in the literature in individuals affected with TRIP4-related conditions. This variant is present in population databases (rs747969829, gnomAD 0.006%). This sequence change replaces histidine, which is basic and polar, with aspartic acid, which is acidic and polar, at codon 394 of the TRIP4 protein (p.His394Asp).